The following is an entry in ClinVar:

ClinVar aggregate classification (germline): Uncertain significance (1 of 4 stars; one submission).

Conditions:
Spermatogenic failure 18. Identifiers: MedGen C4539783, MONDO:0054615, OMIM 617576.
Ciliary dyskinesia, primary, 37 (CILD37). Also called: CILIARY DYSKINESIA, PRIMARY, 37, WITH OR WITHOUT SITUS INVERSUS. Identifiers: MedGen C4539798, MONDO:0033204, OMIM 617577.

Submission:

Juno Genomics, Hangzhou Juno Genomics, Inc
Classification: Uncertain significance for Spermatogenic failure 18; Ciliary dyskinesia, primary, 37. Review status: criteria provided, single submitter. Criteria: ACMG Guidelines, 2015. Collection method: clinical testing. Allele origin: germline.
Comment: Absent from controls (or at extremely low frequency if recessive) in Genome Aggregation Database.;Multiple lines of computational evidence support a deleterious effect on the gene or gene product.;For recessive disorders, detected in trans with a pathogenic variant.;Patient's phenotype or family history is highly specific for a disease with a single genetic etiology.

NM_015512.5(DNAH1):c.10627-3C>G

Gene: DNAH1 (dynein axonemal heavy chain 1; plus strand). Cytogenetic location: 3p21.1.
Variant type: single nucleotide variant.
Coding change: c.10627-3C>G on transcript NM_015512.5 (MANE Select); 3 bases into the intron before coding-DNA position 10627, C replaced by G.
Molecular consequence: intron variant.
Genome position (GRCh38, 1-based): chr3:52,394,462, C>G. VCF-style: chr3-52394462-C-G. GRCh37 (hg19) VCF-style: chr3-52428478-C-G.
Identifiers: ClinVar variation 5020024 (VCV005020024.2).